The following is an entry in ClinVar:

NM_001042492.3(NF1):c.3964G>T (p.Asp1322Tyr)

Gene: NF1 (neurofibromin 1; plus strand). Cytogenetic location: 17q11.2.
Variant type: single nucleotide variant.
Coding change: c.3964G>T on transcript NM_001042492.3 (MANE Select); coding-DNA position 3964, G replaced by T.
Protein change: p.Asp1322Tyr; replaces aspartic acid 1322 with tyrosine.
Molecular consequence: missense variant.
Genome position (GRCh38, 1-based): chr17:31,236,011, G>T. VCF-style: chr17-31236011-G-T. GRCh37 (hg19) VCF-style: chr17-29563029-G-T.
Other names: c.3964G>T, p.Asp1322Tyr (NM_000267.4); short protein forms D1322Y.
Identifiers: ClinVar variation 1721797 (VCV001721797.5), dbSNP rs1597723042, ClinGen allele CA398993317.

ClinVar aggregate classification (germline): Uncertain significance (1 of 4 stars; one submission).

Conditions:
Neurofibromatosis, type 1 (NF1). Also called: Neurofibromatosis, type I; VON RECKLINGHAUSEN DISEASE; NEUROFIBROMATOSIS, TYPE I, SOMATIC; Peripheral type neurofibromatosis. Identifiers: Orphanet 636, MedGen C0027831, MONDO:0018975, OMIM 162200. Disease mechanism: loss of function.

Submission:

Labcorp Genetics (formerly Invitae), Labcorp
Classification: Uncertain significance for Neurofibromatosis, type 1. Last evaluated: 2022-10-18. Review status: criteria provided, single submitter. Criteria: Invitae Variant Classification Sherloc (09022015). Collection method: clinical testing. Allele origin: germline.
Comment: This sequence change replaces aspartic acid, which is acidic and polar, with tyrosine, which is neutral and polar, at codon 1322 of the NF1 protein (p.Asp1322Tyr). This variant is not present in population databases (gnomAD no frequency). This variant has not been reported in the literature in individuals affected with NF1-related conditions. Advanced modeling of protein sequence and biophysical properties (such as structural, functional, and spatial information, amino acid conservation, physicochemical variation, residue mobility, and thermodynamic stability) performed at Invitae indicates that this missense variant is expected to disrupt NF1 protein function. In summary, the available evidence is currently insufficient to determine the role of this variant in disease. Therefore, it has been classified as a Variant of Uncertain Significance.